The following is an entry in ClinVar:

ClinVar aggregate classification (germline): Uncertain significance (1 of 4 stars; one submission).

Submission:

GeneDx
Classification: Uncertain significance. Last evaluated: 2021-03-25. Review status: criteria provided, single submitter. Criteria: GeneDx Variant Classification Process June 2021. Collection method: clinical testing. Allele origin: germline. Affected: yes.
Comment: Not observed in large population cohorts (Lek et al., 2016); In silico analysis supports that this missense variant does not alter protein structure/function; Has not been previously published as pathogenic or benign to our knowledge

NM_000742.4(CHRNA2):c.1444T>C (p.Ser482Pro)

Gene: CHRNA2 (cholinergic receptor nicotinic alpha 2 subunit; minus strand). Cytogenetic location: 8p21.2.
Variant type: single nucleotide variant.
Coding change: c.1444T>C on transcript NM_000742.4 (MANE Select); coding-DNA position 1444, T replaced by C.
Protein change: p.Ser482Pro; replaces serine 482 with proline.
Molecular consequence: missense variant.
Genome position (GRCh38, 1-based): chr8:27,462,999, A>G on the plus strand (T>C on the coding strand, the complement: CHRNA2 is on the minus strand). VCF-style: chr8-27462999-A-G. GRCh37 (hg19) VCF-style: chr8-27320516-A-G.
Other names: c.1399T>C, p.Ser467Pro (NM_001282455.2); c.967T>C, p.Ser323Pro (NM_001347705.2, NM_001347706.2); c.850T>C, p.Ser284Pro (NM_001347707.2, NM_001347708.2); short protein forms S284P, S323P, S467P, S482P.
Identifiers: ClinVar variation 1314225 (VCV001314225.2), dbSNP rs2132650030, ClinGen allele CA370807755.